The following is an entry in ClinVar:

NM_001267550.2(TTN):c.96746G>A (p.Trp32249Ter)

Genes: TTN-AS1 (TTN antisense RNA 1; plus strand), TTN (titin; minus strand), LOC126806421 (CDK7 strongly-dependent group 2 enhancer GRCh37_chr2:179407630-179408829; plus strand). Cytogenetic location: 2q31.2.
Variant type: single nucleotide variant.
Coding change: c.96746G>A on transcript NM_001267550.2 (MANE Select); coding-DNA position 96746, G replaced by A.
Protein change: p.Trp32249Ter; replaces tryptophan 32249 with a stop codon.
Molecular consequence: nonsense.
Genome position (GRCh38, 1-based): chr2:178,543,227, C>T on the plus strand (G>A on the coding strand, the complement: TTN is on the minus strand). VCF-style: chr2-178543227-C-T. GRCh37 (hg19) VCF-style: chr2-179407954-C-T.
Other names: c.91823G>A, p.Trp30608Ter (NM_001256850.1); c.69551G>A, p.Trp23184Ter (NM_003319.4); c.89042G>A, p.Trp29681Ter (NM_133378.4); c.69926G>A, p.Trp23309Ter (NM_133432.3); c.70127G>A, p.Trp23376Ter (NM_133437.4); short protein forms W30608*, W23184*, W32249*, W23309*, W23376*, W29681*.
Identifiers: ClinVar variation 1471017 (VCV001471017.8), dbSNP rs2154143363, ClinGen allele CA349445636.

ClinVar aggregate classification (germline): Likely pathogenic (1 of 4 stars; one submission).

Conditions:
Dilated cardiomyopathy 1G (CMD1G). Identifiers: Orphanet 154, MedGen C1858763, MONDO:0011400, OMIM 604145.
Autosomal recessive limb-girdle muscular dystrophy type 2J (LGMDR10). Also called: Limb-girdle muscular dystrophy, type 2J; MUSCULAR DYSTROPHY, LIMB-GIRDLE, AUTOSOMAL RECESSIVE 10. Identifiers: Orphanet 140922, MedGen C1837342, MONDO:0012127, OMIM 608807.

Submission:

Labcorp Genetics (formerly Invitae), Labcorp
Classification: Likely pathogenic for Dilated cardiomyopathy 1G; Autosomal recessive limb-girdle muscular dystrophy type 2J. Last evaluated: 2022-03-19. Review status: criteria provided, single submitter. Criteria: Invitae Variant Classification Sherloc (09022015). Collection method: clinical testing. Allele origin: germline.
Comment: This variant is located in the A band of TTN (PMID: 25589632). Truncating variants in this region are significantly overrepresented in patients affected with dilated cardiomyopathy (PMID: 25589632). Truncating variants in this region have also been reported in individuals affected with autosomal recessive centronuclear myopathy (PMID: 23975875). In summary, the currently available evidence indicates that the variant is pathogenic, but additional data are needed to prove that conclusively. Therefore, this variant has been classified as Likely Pathogenic. This sequence change creates a premature translational stop signal (p.Trp32249*) in the TTN gene. While this is not anticipated to result in nonsense mediated decay, it is expected to create a truncated TTN protein. This variant is not present in population databases (gnomAD no frequency). This variant has not been reported in the literature in individuals affected with TTN-related conditions.

Literature cited by the submitters: PubMed 25589632; PubMed 23975875.